The following is an entry in ClinVar:

ClinVar aggregate classification (germline): Uncertain significance (1 of 4 stars; one submission).

Allele frequency attached by ClinVar (database versions not stated): gnomAD exomes below 0.00001.
gnomAD v4.1: 2 of 1,613,070 alleles (0.00012%); highest among the groups gnomAD compares: Middle Eastern, 0.033%; 1 homozygote.

Submission:

Women's Health and Genetics/Laboratory Corporation of America, LabCorp
Classification: Uncertain significance. Last evaluated: 2022-08-18. Review status: criteria provided, single submitter. Criteria: LabCorp Variant Classification Summary - May 2015. Collection method: clinical testing. Allele origin: germline.
Comment: Variant summary: PUS7 c.788A>C (p.Tyr263Ser) results in a non-conservative amino acid change in the encoded protein sequence. Four of five in-silico tools predict a damaging effect of the variant on protein function. The variant was absent in 250786 control chromosomes (gnomAD). The available data on variant occurrences in the general population are insufficient to allow any conclusion about variant significance. To our knowledge, no occurrence of c.788A>C in individuals affected with Intellectual Developmental Disorder With Abnormal Behavior, Microcephaly, And Short Stature and no experimental evidence demonstrating its impact on protein function have been reported. No clinical diagnostic laboratories have submitted clinical-significance assessments for this variant to ClinVar after 2014. Based on the evidence outlined above, the variant was classified as uncertain significance.

NM_019042.5(PUS7):c.788A>C (p.Tyr263Ser)

Gene: PUS7 (pseudouridine synthase 7; minus strand). Cytogenetic location: 7q22.3.
Variant type: single nucleotide variant.
Coding change: c.788A>C on transcript NM_019042.5 (MANE Select); coding-DNA position 788, A replaced by C.
Protein change: p.Tyr263Ser; replaces tyrosine 263 with serine.
Molecular consequence: missense variant.
Genome position (GRCh38, 1-based): chr7:105,495,196, T>G on the plus strand (A>C on the coding strand, the complement: PUS7 is on the minus strand). VCF-style: chr7-105495196-T-G. GRCh37 (hg19) VCF-style: chr7-105135643-T-G.
Other names: c.806A>C, p.Tyr269Ser (NM_001318163.1); c.788A>C, p.Tyr263Ser (NM_001318164.2); short protein forms Y263S, Y269S.
Identifiers: ClinVar variation 1705139 (VCV001705139.1), dbSNP rs1294062738, ClinGen allele CA368794569.
Genomic context (GRCh38, chr7:105,495,196, plus strand): 5'-ACTCACCTTAAGTATTTGGAGAGTACATTAATAGCATCCATGGTGTCTTTGTTTTCCTTA[T>G]ATAGTACGAAGTGGCAGTAACTTCCCCTAGATTTTGGCCAAGAATGTTTTCTTGGATCTT-3'
Protein context (NP_061915.2, residues 253-273): SRGSYCHFVL[Tyr263Ser]KENKDTMDAI